The following is an entry in ClinVar:

ClinVar aggregate classification (germline): Uncertain significance (1 of 4 stars; one submission).

Conditions:
YY1-related disorder. Also called: YY1-related condition.

gnomAD v4.1: 1 of 1,593,550 alleles (0.000063%); no homozygotes.

Submission:

PreventionGenetics, part of Exact Sciences
Classification: Uncertain significance for YY1-related condition. Last evaluated: 2025-08-08. Review status: criteria provided, single submitter. Criteria: ACMG Guidelines, 2015. Collection method: clinical testing. Allele origin: germline.
Comment: The YY1 c.188G>T variant is predicted to result in the amino acid substitution p.Gly63Val. To our knowledge, this variant has not been reported in the literature or in a large population database (gnomAD), indicating this variant is rare. At this time, the clinical significance of this variant is uncertain due to the absence of conclusive functional and genetic evidence.

NM_003403.5(YY1):c.188G>T (p.Gly63Val)

Gene: YY1 (YY1 transcription factor; plus strand). Cytogenetic location: 14q32.2.
Variant type: single nucleotide variant.
Coding change: c.188G>T on transcript NM_003403.5 (MANE Select); coding-DNA position 188, G replaced by T.
Protein change: p.Gly63Val; replaces glycine 63 with valine.
Molecular consequence: missense variant.
Genome position (GRCh38, 1-based): chr14:100,239,432, G>T. VCF-style: chr14-100239432-G-T. GRCh37 (hg19) VCF-style: chr14-100705769-G-T.
Other names: short protein forms G63V.
Identifiers: ClinVar variation 4998071 (VCV004998071.1).